The following is an entry in ClinVar:

NM_018685.5(ANLN):c.1798G>C (p.Asp600His)

Gene: ANLN (anillin, actin binding protein; plus strand). Cytogenetic location: 7p14.2.
Variant type: single nucleotide variant.
Coding change: c.1798G>C on transcript NM_018685.5 (MANE Select); coding-DNA position 1798, G replaced by C.
Protein change: p.Asp600His; replaces aspartic acid 600 with histidine.
Molecular consequence: missense variant.
Genome position (GRCh38, 1-based): chr7:36,419,408, G>C. VCF-style: chr7-36419408-G-C. GRCh37 (hg19) VCF-style: chr7-36459017-G-C.
Other names: c.1687G>C, p.Asp563His (NM_001284301.3); c.1684G>C, p.Asp562His (NM_001284302.3); short protein forms D562H, D563H, D600H.
Identifiers: ClinVar variation 1438613 (VCV001438613.7), dbSNP rs746177762, ClinGen allele CA4219703.

ClinVar aggregate classification (germline): Uncertain significance. Review status: criteria provided, single submitter (1 of 4 stars). 2 submissions from 2 submitters: Uncertain significance (1). 1 of the submissions does not count toward it. Last evaluated 2025-01-20.

Allele frequency attached by ClinVar (database versions not stated): gnomAD 0.00001; TOPMed 0.00008.
gnomAD v4.1: 25 of 1,614,034 alleles (0.0015%); highest among the groups gnomAD compares: Admixed American, 0.037%; no homozygotes.

Submissions (2):

Labcorp Genetics (formerly Invitae), Labcorp
Classification: Uncertain significance. Last evaluated: 2025-01-20. Review status: criteria provided, single submitter. Criteria: Invitae Variant Classification Sherloc (09022015). Collection method: clinical testing. Allele origin: germline.
Comment: This sequence change replaces aspartic acid, which is acidic and polar, with histidine, which is basic and polar, at codon 600 of the ANLN protein (p.Asp600His). This variant is present in population databases (rs746177762, gnomAD 0.04%), and has an allele count higher than expected for a pathogenic variant. This variant has not been reported in the literature in individuals affected with ANLN-related conditions. ClinVar contains an entry for this variant (Variation ID: 1438613). Invitae Evidence Modeling of protein sequence and biophysical properties (such as structural, functional, and spatial information, amino acid conservation, physicochemical variation, residue mobility, and thermodynamic stability) indicates that this missense variant is not expected to disrupt ANLN protein function with a negative predictive value of 80%. In summary, the available evidence is currently insufficient to determine the role of this variant in disease. Therefore, it has been classified as a Variant of Uncertain Significance.

Genetic Services Laboratory, University of Chicago
Classification: Uncertain significance. Last evaluated: 2022-08-26. Review status: no assertion criteria provided. Collection method: clinical testing. Allele origin: germline. Affected: no. Not counted in ClinVar's aggregate classification.
Comment: DNA sequence analysis of the ANLN gene demonstrated a sequence change, c.1798G>C, in exon 10 that results in an amino acid change, p.Asp600His. This sequence change has been described in the gnomAD database with a frequency of 0.049% in the Latino subpopulation (dbSNP rs746177762). The p.Asp600His change affects a moderately conserved amino acid residue located in a domain of the ANLN protein that is not known to be functional. In-silico pathogenicity prediction tools (SIFT, PolyPhen2, Align GVGD, REVEL) provide contradictory results for the p.Asp600His substitution. This sequence change does not appear to have been previously described in individuals with ANLN-related disorders. Due to insufficient evidences and the lack of functional studies, the clinical significance of the p.Asp600His change remains unknown at this time.